The following is an entry in ClinVar:

NM_033305.3(VPS13A):c.6056del (p.Ser2019fs)

Gene: VPS13A (vacuolar protein sorting 13 homolog A; plus strand). Cytogenetic location: 9q21.2.
Variant type: Deletion.
Coding change: c.6056del on transcript NM_033305.3 (MANE Select); coding-DNA position 6056, one base deleted (C; older notation c.6056delC).
Protein change: p.Ser2019fs; shifts the reading frame from serine 2019.
Molecular consequence: frameshift variant.
Genome position (GRCh38, 1-based): chr9:77,332,074, C deleted. VCF-style (leftmost placement, unchanged base first): chr9-77332073-TC-T. GRCh37 (hg19) VCF-style: chr9-79946989-TC-T.
Other names: c.5939del, p.Ser1980fs (NM_001018037.2); c.6056del, p.Ser2019fs (NM_001018038.3, NM_015186.4); short protein forms S1980fs, S2019fs.
Identifiers: ClinVar variation 5015411 (VCV005015411.1).

ClinVar aggregate classification (germline): Pathogenic (1 of 4 stars; one submission).

Conditions:
VPS13A-related neurodegenerative disease. Also called: ACANTHOCYTOSIS WITH NEUROLOGIC DISORDER; LEVINE-CRITCHLEY SYNDROME; Choreoacanthocytosis; Chorea-acanthocytosis; Choreaacanthocytosis; VPS13A Disease. Identifiers: Orphanet 2388, MedGen C0393576, MONDO:0008695, OMIM 200150.

Submission:

Myriad Genetics, Inc.
Classification: Pathogenic for VPS13A-related neurodegenerative disease. Last evaluated: 2026-01-12. Review status: criteria provided, single submitter. Criteria: Myriad Autosomal Dominant, Autosomal Recessive and X-Linked Classification Criteria (2023). Collection method: clinical testing. Allele origin: unknown.
Comment: NM_033305.2(VPS13A):c.6056delC(S2019Yfs*10) is expected to be pathogenic in the context of VPS13A disease. This variant is predicted to lead to an abnormal or absent protein product due to the creation of a premature termination codon in VPS13A, a gene where loss-of-function variants are known to be pathogenic. Please note: this variant was assessed in the context of healthy population screening.